The following is an entry in ClinVar:

NM_017672.6(TRPM7):c.4974G>T (p.Trp1658Cys)

Gene: TRPM7 (transient receptor potential cation channel subfamily M member 7; minus strand). Cytogenetic location: 15q21.2.
Variant type: single nucleotide variant.
Coding change: c.4974G>T on transcript NM_017672.6 (MANE Select); coding-DNA position 4974, G replaced by T.
Protein change: p.Trp1658Cys; replaces tryptophan 1658 with cysteine.
Molecular consequence: missense variant. On other transcripts: non-coding transcript variant (3).
Genome position (GRCh38, 1-based): chr15:50,574,897, C>A on the plus strand (G>T on the coding strand, the complement: TRPM7 is on the minus strand). VCF-style: chr15-50574897-C-A. GRCh37 (hg19) VCF-style: chr15-50867094-C-A.
Other names: c.4971G>T, p.Trp1657Cys (NM_001301212.2); short protein forms W1657C, W1658C.
Identifiers: ClinVar variation 3765913 (VCV003765913.1).
Genomic context (GRCh38, chr15:50,574,897, plus strand): 5'-TTCACTGACACTTACTCTCAGACAGAGATGCAGAACTGTATCTTCTTTGTAAATACTTGA[C>A]CATGTATTAACCACCTCTGGAAGAAAAGATTTGATAATATAAAGATGCCCTGATTTGAGG-3'
Protein context (NP_060142.3, residues 1648-1668): KSFLPEVVNT[Trp1658Cys]SSIYKEDTVL

ClinVar aggregate classification (germline): Uncertain significance (1 of 4 stars; one submission).

Submission:

GeneDx
Classification: Uncertain significance. Last evaluated: 2024-08-27. Review status: criteria provided, single submitter. Criteria: GeneDx Variant Classification Process June 2021. Collection method: clinical testing. Allele origin: germline. Affected: yes.
Comment: Not observed at significant frequency in large population cohorts (gnomAD); In silico analysis supports that this missense variant has a deleterious effect on protein structure/function; Has not been previously published as pathogenic or benign to our knowledge